The following is an entry in ClinVar:

NM_001080467.3(MYO5B):c.1466A>G (p.Asp489Gly)

Gene: MYO5B (myosin VB; minus strand). Cytogenetic location: 18q21.1.
Variant type: single nucleotide variant.
Coding change: c.1466A>G on transcript NM_001080467.3 (MANE Select); coding-DNA position 1466, A replaced by G.
Protein change: p.Asp489Gly; replaces aspartic acid 489 with glycine.
Molecular consequence: missense variant.
Genome position (GRCh38, 1-based): chr18:49,962,345, T>C on the plus strand (A>G on the coding strand, the complement: MYO5B is on the minus strand). VCF-style: chr18-49962345-T-C. GRCh37 (hg19) VCF-style: chr18-47488715-T-C.
Other names: c.1466A>G (NM_001080467.2); short protein forms D489G.
Identifiers: ClinVar variation 1363221 (VCV001363221.5), dbSNP rs756578413, ClinGen allele CA8961514.
Genomic context (GRCh38, chr18:49,962,345, plus strand): 5'-AGGTCCAAGATACCCAGCTTGGCTTCAATGAGGTCGATACAAGGTTGGTTATCATAAAAA[T>C]CAATCAGGGTCCAAGGGATCTGTTCCTTCATGTATTCTTCTTGCTCCAGTTTGAAAACAT-3'
Protein context (NP_001073936.1, residues 479-499): MKEQIPWTLI[Asp489Gly]FYDNQPCIDL

ClinVar aggregate classification (germline): Uncertain significance. Review status: criteria provided, multiple submitters, no conflicts (2 of 4 stars). 2 submissions from 2 submitters: Uncertain significance (2). Last evaluated 2025-03-04.

Conditions:
Inborn genetic diseases. Identifiers: MedGen C0950123, MeSH D030342.

Allele frequency attached by ClinVar (database versions not stated): gnomAD exomes 0.00002; ExAC 0.00003; gnomAD 0.00003 and 0.00004; TOPMed 0.00001.
gnomAD v4.1: 32 of 1,614,048 alleles (0.002%); highest among the groups gnomAD compares: Non-Finnish European, 0.0027%; no homozygotes.

Submissions (2):

Labcorp Genetics (formerly Invitae), Labcorp
Classification: Uncertain significance. Last evaluated: 2025-03-04. Review status: criteria provided, single submitter. Criteria: Invitae Variant Classification Sherloc (09022015). Collection method: clinical testing. Allele origin: germline.
Comment: This sequence change replaces aspartic acid, which is acidic and polar, with glycine, which is neutral and non-polar, at codon 489 of the MYO5B protein (p.Asp489Gly). This variant is present in population databases (rs756578413, gnomAD 0.005%). This variant has not been reported in the literature in individuals affected with MYO5B-related conditions. ClinVar contains an entry for this variant (Variation ID: 1363221). Invitae Evidence Modeling of protein sequence and biophysical properties (such as structural, functional, and spatial information, amino acid conservation, physicochemical variation, residue mobility, and thermodynamic stability) indicates that this missense variant is expected to disrupt MYO5B protein function with a positive predictive value of 80%. In summary, the available evidence is currently insufficient to determine the role of this variant in disease. Therefore, it has been classified as a Variant of Uncertain Significance.

Ambry Genetics
Classification: Uncertain significance for Inborn genetic diseases. Last evaluated: 2023-03-27. Review status: criteria provided, single submitter. Criteria: Ambry Variant Classification Scheme 2023. Collection method: clinical testing. Allele origin: germline.